The following is an entry in ClinVar:

ClinVar aggregate classification (germline): Uncertain significance (1 of 4 stars; one submission).

Allele frequency attached by ClinVar (database versions not stated): gnomAD exomes 0.00001; ExAC 0.00001.
gnomAD v4.1: 12 of 1,614,112 alleles (0.00074%); highest among the groups gnomAD compares: East Asian, 0.0022%; no homozygotes.

Submission:

Ambry Genetics
Classification: Uncertain significance. Last evaluated: 2025-10-14. Review status: criteria provided, single submitter. Criteria: Ambry Variant Classification Scheme 2023. Collection method: clinical testing. Allele origin: germline.
Comment: The p.D231G variant (also known as c.692A>G), located in coding exon 1 of the EGLN1 gene, results from an A to G substitution at nucleotide position 692. The aspartic acid at codon 231 is replaced by glycine, an amino acid with similar properties. This amino acid position is highly conserved through mammals but not in all available vertebrate species. Since supporting evidence is limited at this time, the clinical significance of this alteration remains unclear.

NM_022051.3(EGLN1):c.692A>G (p.Asp231Gly)

Gene: EGLN1 (egl-9 family hypoxia inducible factor 1; minus strand). Cytogenetic location: 1q42.2.
Variant type: single nucleotide variant.
Coding change: c.692A>G on transcript NM_022051.3 (MANE Select); coding-DNA position 692, A replaced by G.
Protein change: p.Asp231Gly; replaces aspartic acid 231 with glycine.
Molecular consequence: missense variant.
Genome position (GRCh38, 1-based): chr1:231,421,197, T>C on the plus strand (A>G on the coding strand, the complement: EGLN1 is on the minus strand). VCF-style: chr1-231421197-T-C. GRCh37 (hg19) VCF-style: chr1-231556943-T-C.
Other names: c.692A>G, p.Asp231Gly (NM_001377260.1, NM_001377261.1); short protein forms D231G.
Identifiers: ClinVar variation 1756193 (VCV001756193.4), dbSNP rs754657721, ClinGen allele CA1453121.